The following is an entry in ClinVar:

ClinVar aggregate classification (germline): Uncertain significance (1 of 4 stars; one submission).

Conditions:
Cardiomyopathy (CMYO). Also called: Cardiomyopathies. Identifiers: Orphanet 167848, MedGen C0878544, MONDO:0004994, HP:0001638. Inheritance: Various modes of inheritance.

Submission:

Color Diagnostics, LLC DBA Color Health
Classification: Uncertain significance for Cardiomyopathy. Last evaluated: 2023-11-13. Review status: criteria provided, single submitter. Criteria: ACMG Guidelines, 2015. Collection method: clinical testing. Allele origin: germline.
Comment: This missense variant replaces isoleucine with serine at codon 211 of the TNNT2 protein. Computational prediction suggests that this variant may have deleterious impact on protein structure and function (internally defined REVEL score threshold >= 0.7, PMID: 27666373). To our knowledge, functional studies have not been reported for this variant. This variant has not been reported in individuals affected with TNNT2-related disorders in the literature. This variant has not been identified in the general population by the Genome Aggregation Database (gnomAD). The available evidence is insufficient to determine the role of this variant in disease conclusively. Therefore, this variant is classified as a Variant of Uncertain Significance.

NM_001276345.2(TNNT2):c.662T>G (p.Ile221Ser)

Gene: TNNT2 (troponin T2, cardiac type; minus strand). Cytogenetic location: 1q32.1.
Variant type: single nucleotide variant.
Coding change: c.662T>G on transcript NM_001276345.2 (MANE Select); coding-DNA position 662, T replaced by G.
Protein change: p.Ile221Ser; replaces isoleucine 221 with serine.
Molecular consequence: missense variant.
Genome position (GRCh38, 1-based): chr1:201,361,970, A>C on the plus strand (T>G on the coding strand, the complement: TNNT2 is on the minus strand). VCF-style: chr1-201361970-A-C. GRCh37 (hg19) VCF-style: chr1-201331098-A-C.
Other names: c.653T>G, p.Ile218Ser (NM_000364.4, NM_001406723.1); c.632T>G, p.Ile211Ser (NM_001001430.3, NM_001276347.2, NM_001406724.1); c.623T>G, p.Ile208Ser (NM_001001431.3, NM_001406726.1, NM_001406727.1); c.614T>G, p.Ile205Ser (NM_001001432.3); c.533T>G, p.Ile178Ser (NM_001276346.2); c.629T>G, p.Ile210Ser (NM_001406725.1); c.617T>G, p.Ile206Ser (NM_001406728.1); short protein forms I206S, I218S, I221S, I178S, I211S, I205S, I208S, I210S.
Identifiers: ClinVar variation 2774632 (VCV002774632.2), dbSNP rs863225120, ClinGen allele CA344203724.
Genomic context (GRCh38, chr1:201,361,970, plus strand): 5'-CACCTCAGCTGATCTTCATTCAGGTGGTCAATGGCCAGCACCTTCCTCCTCTCAGCCAGA[A>C]TCTTCTTCTTCTTTTCCCGCTCAGTCTGCCTCTTCCCACTTTTCCGCTCTGTCTGGAGGG-3'
Protein context (NP_001263274.1, residues 211-231): RQTEREKKKK[Ile221Ser]LAERRKVLAI